The following is an entry in ClinVar:

NM_004463.3(FGD1):c.1223G>A (p.Arg408Gln)

Gene: FGD1 (FYVE, RhoGEF and PH domain containing 1; minus strand). Cytogenetic location: Xp11.22.
Variant type: single nucleotide variant.
Coding change: c.1223G>A on transcript NM_004463.3 (MANE Select); coding-DNA position 1223, G replaced by A.
Protein change: p.Arg408Gln; replaces arginine 408 with glutamine.
Molecular consequence: missense variant.
Genome position (GRCh38, 1-based): chrX:54,467,901, C>T on the plus strand (G>A on the coding strand, the complement: FGD1 is on the minus strand). VCF-style: chrX-54467901-C-T. GRCh37 (hg19) VCF-style: chrX-54494334-C-T.
Other names: short protein forms R408Q.
Identifiers: ClinVar variation 10830 (VCV000010830.5), dbSNP rs137853265, ClinGen allele CA121193.

ClinVar aggregate classification (germline): Uncertain significance. Review status: criteria provided, single submitter (1 of 4 stars). 2 submissions from 2 submitters: Uncertain significance (1). 1 of the submissions does not count toward it. Last evaluated 2024-02-05.

Conditions:
Aarskog syndrome (AAS). Also called: Aarskog-Scott syndrome, X-linked; FGDY; FGD1-Related Faciogenital Dysplasia (Aarskog-Scott Syndrome); Aarskog Scott syndrome; Aarskog disease. Identifiers: Orphanet 915, MedGen C0175701, MONDO:0010589, OMIM 305400.

Allele frequency attached by ClinVar (database versions not stated): ExAC below 0.00001; gnomAD 0.00001; TOPMed 0.00002; gnomAD exomes 0.00001 and 0.00002.

Submissions (2):

Labcorp Genetics (formerly Invitae), Labcorp
Classification: Uncertain significance. Last evaluated: 2024-02-05. Review status: criteria provided, single submitter. Criteria: Invitae Variant Classification Sherloc (09022015). Collection method: clinical testing. Allele origin: germline.
Comment: This sequence change replaces arginine, which is basic and polar, with glutamine, which is neutral and polar, at codon 408 of the FGD1 protein (p.Arg408Gln). The frequency data for this variant in the population databases is considered unreliable, as metrics indicate poor data quality at this position in the gnomAD database. This missense change has been observed in individual(s) with clinical features of FGD1-related conditions (PMID: 15809997). ClinVar contains an entry for this variant (Variation ID: 10830). Advanced modeling of protein sequence and biophysical properties (such as structural, functional, and spatial information, amino acid conservation, physicochemical variation, residue mobility, and thermodynamic stability) has been performed at Invitae for this missense variant, however the output from this modeling did not meet the statistical confidence thresholds required to predict the impact of this variant on FGD1 protein function. In summary, the available evidence is currently insufficient to determine the role of this variant in disease. Therefore, it has been classified as a Variant of Uncertain Significance.

OMIM
Classification: Pathogenic for AARSKOG-SCOTT SYNDROME. Last evaluated: 2005-05-15. Review status: no assertion criteria provided. Collection method: literature only. Allele origin: germline. Not counted in ClinVar's aggregate classification.

Literature cited by the submitters: PubMed 15809997 (cited by Labcorp Genetics (formerly Invitae), Labcorp and OMIM).